The following is an entry in ClinVar:

ClinVar aggregate classification (germline): Uncertain significance (1 of 4 stars; one submission).

Submission:

GeneDx
Classification: Uncertain significance. Last evaluated: 2026-04-22. Review status: criteria provided, single submitter. Criteria: GeneDx Variant Classification Process June 2021. Collection method: clinical testing. Allele origin: germline.
Comment: Not observed at significant frequency in large population cohorts (gnomAD); In silico analysis supports that this missense variant has a deleterious effect on protein structure/function; Has not been previously published as pathogenic or benign to our knowledge

NM_001039348.3(EFEMP1):c.670T>C (p.Cys224Arg)

Gene: EFEMP1 (EGF-like fibulin extracellular matrix protein 1; minus strand). Cytogenetic location: 2p16.1.
Variant type: single nucleotide variant.
Coding change: c.670T>C on transcript NM_001039348.3 (MANE Select); coding-DNA position 670, T replaced by C.
Protein change: p.Cys224Arg; replaces cysteine 224 with arginine.
Molecular consequence: missense variant.
Genome position (GRCh38, 1-based): chr2:55,877,836, A>G on the plus strand (T>C on the coding strand, the complement: EFEMP1 is on the minus strand). VCF-style: chr2-55877836-A-G. GRCh37 (hg19) VCF-style: chr2-56104971-A-G.
Other names: c.670T>C, p.Cys224Arg (NM_001039349.3); short protein forms C224R.
Identifiers: ClinVar variation 5037591 (VCV005037591.1).
Genomic context (GRCh38, chr2:55,877,836, plus strand): 5'-GAAACCCAGGACTGCACTGGCAATAAAATGAGCCTGGTGTATTCACGCATCTTTGGTGGC[A>G]ATATGGAGGGATGGTACATTCATCTATGTCTAGGTTATCAGGCACACACACAAAGAGAAC-3'
Protein context (NP_001034437.1, residues 214-234): DIDECTIPPY[Cys224Arg]HQRCVNTPGS